The following is an entry in ClinVar:

ClinVar aggregate classification (germline): Uncertain significance. Review status: criteria provided, multiple submitters, no conflicts (2 of 4 stars). 2 submissions from 2 submitters: Uncertain significance (2). Last evaluated 2025-11-17.

Conditions:
Hereditary cancer-predisposing syndrome. Also called: Neoplastic Syndromes, Hereditary; Tumor predisposition; Hereditary Cancer Syndrome; Hereditary neoplastic syndrome. Identifiers: Orphanet 140162, MedGen C0027672, MeSH D009386, MONDO:0015356.

Submissions (2):

Ambry Genetics
Classification: Uncertain significance for Hereditary cancer-predisposing syndrome. Last evaluated: 2025-11-17. Review status: criteria provided, single submitter. Criteria: Ambry Variant Classification Scheme 2023. Collection method: clinical testing. Allele origin: germline.
Comment: The p.V600I variant (also known as c.1798G>A), located in coding exon 13 of the MSH3 gene, results from a G to A substitution at nucleotide position 1798. The valine at codon 600 is replaced by isoleucine, an amino acid with highly similar properties. This amino acid position is well conserved in available vertebrate species. In addition, this alteration is predicted to be tolerated by in silico analysis. Since supporting evidence is limited at this time, the clinical significance of this alteration remains unclear.

Labcorp Genetics (formerly Invitae), Labcorp
Classification: Uncertain significance. Last evaluated: 2018-10-20. Review status: criteria provided, single submitter. Criteria: Invitae Variant Classification Sherloc (09022015). Collection method: clinical testing. Allele origin: germline.
Comment: This sequence change replaces valine with isoleucine at codon 600 of the MSH3 protein (p.Val600Ile). The valine residue is moderately conserved and there is a small physicochemical difference between valine and isoleucine. In summary, the available evidence is currently insufficient to determine the role of this variant in disease. Therefore, it has been classified as a Variant of Uncertain Significance. Algorithms developed to predict the effect of missense changes on protein structure and function output the following: SIFT: "Tolerated"; PolyPhen-2: "Benign"; Align-GVGD: "Class C0". The isoleucine amino acid residue is found in multiple mammalian species, suggesting that this missense change does not adversely affect protein function. These predictions have not been confirmed by published functional studies and their clinical significance is uncertain. This variant has not been reported in the literature in individuals with MSH3-related disease. This variant is not present in population databases (ExAC no frequency).

NM_002439.5(MSH3):c.1798G>A (p.Val600Ile)

Gene: MSH3 (mutS homolog 3; plus strand). Cytogenetic location: 5q14.1.
Variant type: single nucleotide variant.
Coding change: c.1798G>A on transcript NM_002439.5 (MANE Select); coding-DNA position 1798, G replaced by A.
Protein change: p.Val600Ile; replaces valine 600 with isoleucine.
Molecular consequence: missense variant.
Genome position (GRCh38, 1-based): chr5:80,761,580, G>A. VCF-style: chr5-80761580-G-A. GRCh37 (hg19) VCF-style: chr5-80057399-G-A.
Other names: c.1798G>A (NM_002439.3); short protein forms V600I.
Identifiers: ClinVar variation 648079 (VCV000648079.11), dbSNP rs1580027482, ClinGen allele CA360276534.
Genomic context (GRCh38, chr5:80,761,580, plus strand): 5'-TTATTGCTATTACTCTTTTCTCACAGGGAAATAAATGCCCGGCTTGATGCTGTATCGGAA[G>A]TTCTCCATTCAGAATCTAGTGTGTTTGGTCAGATAGAAAATCATCTACGTAAATTGCCCG-3'
Protein context (NP_002430.3, residues 590-610): INARLDAVSE[Val600Ile]LHSESSVFGQ